The following is an entry in ClinVar:

ClinVar aggregate classification (germline): Conflicting classifications of pathogenicity. Review status: criteria provided, conflicting classifications (1 of 4 stars). 3 submissions from 3 submitters: Uncertain significance (1); Likely benign (2). Last evaluated 2026-02-24.

Conditions:
ASXL1-related disorder. Also called: ASXL1-related condition; ASXL1-related disorders.

Allele frequency attached by ClinVar (database versions not stated): gnomAD 0.00001; gnomAD exomes 0.00001 and 0.00003; ExAC 0.00003.
gnomAD v4.1: 8 of 1,613,948 alleles (0.0005%); highest among the groups gnomAD compares: Admixed American, 0.013%; no homozygotes.

Submissions (3):

PreventionGenetics, part of Exact Sciences
Classification: Uncertain significance for ASXL1-related condition. Last evaluated: 2026-02-24. Review status: criteria provided, single submitter. Criteria: ACMG Guidelines, 2015. Collection method: clinical testing. Allele origin: germline.
Comment: The ASXL1 c.1742C>T variant is predicted to result in the amino acid substitution p.Pro581Leu. To our knowledge, this variant has not been reported in the literature. This variant is reported in 0.020% of alleles in individuals of Latino descent in gnomAD. At this time, the clinical significance of this variant is uncertain due to the absence of conclusive functional and genetic evidence.

Labcorp Genetics (formerly Invitae), Labcorp
Classification: Likely benign. Last evaluated: 2025-11-13. Review status: criteria provided, single submitter. Criteria: Invitae Variant Classification Sherloc (09022015). Collection method: clinical testing. Allele origin: germline.

GeneDx
Classification: Likely benign. Last evaluated: 2021-04-16. Review status: criteria provided, single submitter. Criteria: GeneDx Variant Classification Process June 2021. Collection method: clinical testing. Allele origin: germline. Affected: yes.
Comment: In silico analysis supports that this missense variant has a deleterious effect on protein structure/function; Missense variant in a gene in which most reported pathogenic variants are truncating/loss-of-function; Has not been previously published as pathogenic or benign to our knowledge

NM_015338.6(ASXL1):c.1742C>T (p.Pro581Leu)

Gene: ASXL1 (ASXL transcriptional regulator 1; plus strand). Cytogenetic location: 20q11.21.
Variant type: single nucleotide variant.
Coding change: c.1742C>T on transcript NM_015338.6 (MANE Select); coding-DNA position 1742, C replaced by T.
Protein change: p.Pro581Leu; replaces proline 581 with leucine.
Molecular consequence: missense variant.
Genome position (GRCh38, 1-based): chr20:32,434,454, C>T. VCF-style: chr20-32434454-C-T. GRCh37 (hg19) VCF-style: chr20-31022257-C-T.
Other names: c.1559C>T, p.Pro520Leu (NM_001363734.1); short protein forms P520L, P581L.
Identifiers: ClinVar variation 1187237 (VCV001187237.8), dbSNP rs775928560, ClinGen allele CA9808439.